The following is an entry in ClinVar:

ClinVar aggregate classification (germline): Uncertain significance (1 of 4 stars; one submission).

Allele frequency attached by ClinVar (database versions not stated): gnomAD exomes 0.00002.
gnomAD v4.1: 21 of 1,589,590 alleles (0.0013%); highest among the groups gnomAD compares: Non-Finnish European, 0.0018%; no homozygotes.

Submission:

Labcorp Genetics (formerly Invitae), Labcorp
Classification: Uncertain significance. Last evaluated: 2024-02-24. Review status: criteria provided, single submitter. Criteria: Invitae Variant Classification Sherloc (09022015). Collection method: clinical testing. Allele origin: germline.
Comment: This sequence change falls in intron 24 of the ROBO1 gene. It does not directly change the encoded amino acid sequence of the ROBO1 protein. It affects a nucleotide within the consensus splice site. This variant is not present in population databases (gnomAD no frequency). This variant has not been reported in the literature in individuals affected with ROBO1-related conditions. ClinVar contains an entry for this variant (Variation ID: 2133833). Variants that disrupt the consensus splice site are a relatively common cause of aberrant splicing (PMID: 17576681, 9536098). Algorithms developed to predict the effect of sequence changes on RNA splicing suggest that this variant is not likely to affect RNA splicing. In summary, the available evidence is currently insufficient to determine the role of this variant in disease. Therefore, it has been classified as a Variant of Uncertain Significance.

Literature cited by the submitters: PubMed 17576681; PubMed 9536098.

NM_002941.4(ROBO1):c.3481+3A>G

Gene: ROBO1 (roundabout guidance receptor 1; minus strand). Cytogenetic location: 3p12.3.
Variant type: single nucleotide variant.
Coding change: c.3481+3A>G on transcript NM_002941.4 (MANE Select); 3 bases into the intron after coding-DNA position 3481, A replaced by G.
Molecular consequence: intron variant.
Genome position (GRCh38, 1-based): chr3:78,633,932, T>C on the plus strand (A>G on the coding strand, the complement: ROBO1 is on the minus strand). VCF-style: chr3-78633932-T-C. GRCh37 (hg19) VCF-style: chr3-78683082-T-C.
Other names: c.3181+3A>G (NM_001145845.2); c.3346+3A>G (NM_133631.4).
Identifiers: ClinVar variation 2133833 (VCV002133833.4), dbSNP rs2471857167, ClinGen allele CA353651026.